The following is an entry in ClinVar:

ClinVar aggregate classification (germline): Benign/Likely benign. Review status: criteria provided, multiple submitters, no conflicts (2 of 4 stars). 9 submissions from 9 submitters: Benign (4); Likely benign (2). 3 of the submissions do not count toward it. Last evaluated 2026-01-13.

Conditions:
BRCA1-related disorder. Also called: BRCA1-related condition.
Hereditary cancer-predisposing syndrome. Also called: Tumor predisposition; Hereditary neoplastic syndrome; Hereditary Cancer Syndrome; Neoplastic Syndromes, Hereditary. Identifiers: Orphanet 140162, MedGen C0027672, MeSH D009386, MONDO:0015356.
Hereditary breast ovarian cancer syndrome. Also called: Hereditary breast and/or ovarian cancer syndrome; Breast and ovarian cancer; Hereditary breast and ovarian cancer syndrome; Hereditary breast and ovarian cancer; Hereditary breast and ovarian cancer syndrome (HBOC); BRCA1- and BRCA2-Associated Hereditary Breast and Ovarian Cancer. Identifiers: Orphanet 145, MedGen C0677776, MeSH D061325, MONDO:0003582. Disease mechanism: loss of function.
Breast-ovarian cancer, familial, susceptibility to, 1 (BROVCA1). Also called: BRCA1 Hereditary Breast and Ovarian Cancer; OVARIAN CANCER, SUSCEPTIBILITY TO. Identifiers: Orphanet 145, MedGen C2676676, MONDO:0011450, OMIM 604370. Disease mechanism: loss of function.

Allele frequency attached by ClinVar (database versions not stated): ExAC 0.00001; gnomAD 0.00001; gnomAD exomes 0.00001; TOPMed 0.00001.
gnomAD v4.1: 5 of 1,613,186 alleles (0.00031%); highest among the groups gnomAD compares: Non-Finnish European, 0.00034%; no homozygotes.

Submissions (10):

Labcorp Genetics (formerly Invitae), Labcorp
Classification: Benign for Hereditary breast ovarian cancer syndrome. Last evaluated: 2026-01-13. Review status: criteria provided, single submitter. Criteria: Invitae Variant Classification Sherloc (09022015). Collection method: clinical testing. Allele origin: germline.

All of Us Research Program, National Institutes of Health
Classification: Benign for Breast-ovarian cancer, familial, susceptibility to, 1. Last evaluated: 2024-01-11. Review status: criteria provided, single submitter. Criteria: ACMG Guidelines, 2015. Collection method: clinical testing. Allele origin: germline. Inheritance: Autosomal dominant inheritance. Observed: 7 variant alleles, 7 heterozygotes.
Comment: This study involves interpretation of variants in research participants for the purpose of population health screening. Participant phenotype was not available at the time of variant classification. Additional details can be found in publication PMID: 35346344, PMCID: PMC8962531

GeneDx
Classification: Likely benign. Last evaluated: 2020-11-30. Review status: criteria provided, single submitter. Criteria: GeneDx Variant Classification Process June 2021. Collection method: clinical testing. Allele origin: germline. Affected: yes.
Comment: This variant is associated with the following publications: (PMID: 21990134, 29750258, 16267036, 22505045, 26913838, 17924331, 30209399)

Women's Health and Genetics/Laboratory Corporation of America, LabCorp
Classification: Benign. Last evaluated: 2020-02-24. Review status: criteria provided, single submitter. Criteria: LabCorp Variant Classification Summary - May 2015. Collection method: clinical testing. Allele origin: germline.
Comment: Variant summary: BRCA1 c.5075-9A>T alters a non-conserved nucleotide located close to a canonical splice site and therefore could affect mRNA splicing, leading to a significantly altered protein sequence. 4/4 computational tools predict no significant impact on normal splicing. The variant allele was found at a frequency of 8e-06 in 250922 control chromosomes. The available data on variant occurrences in the general population are insufficient to allow any conclusion about variant significance. c.5075-9A>T has been reported in the literature in studies of individuals affected with Hereditary Breast and Ovarian Cancer, in studies evaluating multifactorial and posterior probability models to assess variant pathogenicity, in splicing studies using PAX gene collection systems and as a training set for evaluating a new prediction protocol aimed at spliceogenic variants (example, Judkins_2005, Easton_2007, Lindor_2012, Houdayer_2012, Leman_2018). These report(s) do not provide unequivocal conclusions about association of the variant with Hereditary Breast and Ovarian Cancer. At-least one co-occurrence with another pathogenic variant has been reported in the BIC database (BRCA1 c.1999C>T, p.Gln667*), providing additional supporting evidence for a benign role. At least one publication reports experimental evidence evaluating an impact on splicing. These results showed no damaging effect of this variant on splicing (Houdayer_2012)(class 1S). Three clinical diagnostic laboratories have submitted clinical-significance assessments for this variant to ClinVar after 2014 without evidence for independent evaluation. All laboratories classified the variant as benign (n=2)/likely benign (n=1). Based on the evidence outlined above, the variant was classified as benign.

Quest Diagnostics Nichols Institute San Juan Capistrano
Classification: Likely benign. Last evaluated: 2019-12-29. Review status: criteria provided, single submitter. Criteria: Quest Diagnostics criteria. Collection method: clinical testing. Allele origin: unknown.

Color Diagnostics, LLC DBA Color Health
Classification: Benign for Hereditary cancer-predisposing syndrome. Last evaluated: 2017-09-17. Review status: criteria provided, single submitter. Criteria: ACMG Guidelines, 2015. Collection method: clinical testing. Allele origin: germline.

PreventionGenetics, part of Exact Sciences
Classification: Likely benign for BRCA1-related condition. Last evaluated: 2022-08-24. Review status: no assertion criteria provided. Collection method: clinical testing. Allele origin: germline. Not counted in ClinVar's aggregate classification.
Comment: This variant is classified as likely benign based on ACMG/AMP sequence variant interpretation guidelines (Richards et al. 2015 PMID: 25741868, with internal and published modifications).

Counsyl
Classification: Likely benign for Breast-ovarian cancer, familial 1. Last evaluated: 2014-09-07. Review status: no assertion criteria provided. Collection method: literature only. Allele origin: unknown. Inheritance: Autosomal dominant inheritance. Not counted in ClinVar's aggregate classification.

Breast Cancer Information Core (BIC) (BRCA1)
Classification: Uncertain significance for Breast-ovarian cancer, familial 1. Last evaluated: 2002-05-29. Review status: no assertion criteria provided. Collection method: clinical testing. Allele origin: germline. Affected: yes. Observed: 2 variant alleles. Not counted in ClinVar's aggregate classification.

Brotman Baty Institute, University of Washington
No classification provided (evidence only). Condition: Breast-ovarian cancer, familial 1. Review status: no classification provided. Collection method: in vitro. Allele origin: not applicable. Functional consequence: functionally_normal. Not counted in ClinVar's aggregate classification.
ClinVar note: "not provided" was previously submitted as the classification for the variant. However, the classification appeared to be based only on an observation of functional data so it was converted to no classification on 2025-07-30.

Literature cited by the submitters: PubMed 16267036 (cited by 3 submitters); PubMed 21990134 (cited by 3 submitters); PubMed 17924331 (cited by 3 submitters); PubMed 22505045 (cited by 3 submitters); PubMed 29750258 (cited by Women's Health and Genetics/Laboratory Corporation of America, LabCorp); PubMed 24249303 (cited by Counsyl).

NM_007294.4(BRCA1):c.5075-9A>T

Gene: BRCA1 (BRCA1 DNA repair associated; minus strand). Cytogenetic location: 17q21.31.
Variant type: single nucleotide variant.
Coding change: c.5075-9A>T on transcript NM_007294.4 (MANE Select); 9 bases into the intron before coding-DNA position 5075, A replaced by T.
Molecular consequence: intron variant.
Genome position (GRCh38, 1-based): chr17:43,063,960, T>A on the plus strand (A>T on the coding strand, the complement: BRCA1 is on the minus strand). VCF-style: chr17-43063960-T-A. GRCh37 (hg19) VCF-style: chr17-41215977-T-A.
Other names: IVS17-9A>T; c.4946-9A>T (NM_001407682.1, NM_001407689.1, NM_001407681.1 and 6 more transcripts); c.4949-9A>T (NM_001407676.1, NM_001407679.1, NM_001407670.1 and 10 more transcripts); c.4949-587A>T (NM_001407863.1); c.4952-9A>T (NM_001407938.1, NM_001407667.1, NM_001407668.1 and 6 more transcripts); c.1646-9A>T (NM_001408423.1, NM_001408421.1, NM_001408424.1 and 1 more transcripts); c.1649-9A>T (NM_001408420.1, NM_001408419.1, NM_001408418.1); c.1760-9A>T (NM_001408404.1, NM_001408402.1, NM_001408473.1 and 8 more transcripts); and 74 more.
Identifiers: ClinVar variation 125761 (VCV000125761.27), dbSNP rs80358059, ClinGen allele CA003215.
Genomic context (GRCh38, chr17:43,063,960, plus strand): 5'-CCCGCAATTCCTAGAAAATATTTCAGTGTCCGTTCACACACAAACTCAGCATCTGCAGAA[T>A]GAAAAACACTCAAAGGATTAGAAGTTGAAAACAAAATCAGGAAGTGCTGTCCTAAGAAGC-3'